The following is an entry in ClinVar:

ClinVar aggregate classification (germline): Uncertain significance (1 of 4 stars; one submission).

Conditions:
Familial acute necrotizing encephalopathy (IIAE3). Also called: ENCEPHALOPATHY, ACUTE, INFECTION-INDUCED, SUSCEPTIBILITY TO, 3; Susceptibility to Acute Necrotizing Encephalopathy 1. Identifiers: Orphanet 88619, MedGen C2675556, MONDO:0011953, OMIM 608033.

Allele frequency attached by ClinVar (database versions not stated): gnomAD exomes 0.00001.
gnomAD v4.1: 6 of 1,614,102 alleles (0.00037%); highest among the groups gnomAD compares: South Asian, 0.0055%; no homozygotes.

Submission:

Labcorp Genetics (formerly Invitae), Labcorp
Classification: Uncertain significance for Familial acute necrotizing encephalopathy. Last evaluated: 2021-09-09. Review status: criteria provided, single submitter. Criteria: Invitae Variant Classification Sherloc (09022015). Collection method: clinical testing. Allele origin: germline.
Comment: This sequence change replaces histidine with arginine at codon 1418 of the RANBP2 protein (p.His1418Arg). The histidine residue is highly conserved and there is a small physicochemical difference between histidine and arginine. This variant is not present in population databases (ExAC no frequency). This variant has not been reported in the literature in individuals affected with RANBP2-related conditions. Algorithms developed to predict the effect of missense changes on protein structure and function (SIFT, PolyPhen-2, Align-GVGD) all suggest that this variant is likely to be disruptive. In summary, the available evidence is currently insufficient to determine the role of this variant in disease. Therefore, it has been classified as a Variant of Uncertain Significance.

NM_006267.5(RANBP2):c.4253A>G (p.His1418Arg)

Gene: RANBP2 (RAN binding protein 2; plus strand). Cytogenetic location: 2q13.
Variant type: single nucleotide variant.
Coding change: c.4253A>G on transcript NM_006267.5 (MANE Select); coding-DNA position 4253, A replaced by G.
Protein change: p.His1418Arg; replaces histidine 1418 with arginine.
Molecular consequence: missense variant.
Genome position (GRCh38, 1-based): chr2:108,764,792, A>G. VCF-style: chr2-108764792-A-G. GRCh37 (hg19) VCF-style: chr2-109381248-A-G.
Other names: short protein forms H1418R.
Identifiers: ClinVar variation 1503178 (VCV001503178.6), dbSNP rs1478874755, ClinGen allele CA348066055.